The following is an entry in ClinVar:

NM_000136.3(FANCC):c.1073-13T>C

Genes: AOPEP (aminopeptidase O (putative); plus strand), FANCC (FA complementation group C; minus strand). Cytogenetic location: 9q22.32.
Variant type: single nucleotide variant.
Coding change: c.1073-13T>C on transcript NM_000136.3 (MANE Select); 13 bases into the intron before coding-DNA position 1073, T replaced by C.
Molecular consequence: intron variant.
Genome position (GRCh38, 1-based): chr9:95,114,723, A>G on the plus strand (T>C on the coding strand, the complement: FANCC is on the minus strand). VCF-style: chr9-95114723-A-G. GRCh37 (hg19) VCF-style: chr9-97877005-A-G.
Other names: c.1073-13T>C (NM_001243743.2, NM_001243744.2).
Identifiers: ClinVar variation 386320 (VCV000386320.1), dbSNP rs1057522472, ClinGen allele CA16605897.
Genomic context (GRCh38, chr9:95,114,723, plus strand): 5'-GTTCAGAAATATGCTTCAGTGTCTGGAGCCAGTGTCCCCGAGGGATATCTGCGGGTGGAG[A>G]GAGATACGTCAGAGGGCAACTGAGGAAATGTCAAGCCCATGAGGAACCACCTGCAGGGAT-3'

ClinVar aggregate classification (germline): Likely benign (1 of 4 stars; one submission).

Allele frequency attached by ClinVar (database versions not stated): gnomAD exomes below 0.00001.

Submission:

GeneDx
Classification: Likely benign. Last evaluated: 2016-05-17. Review status: criteria provided, single submitter. Criteria: GeneDx Variant Classification (06012015). Collection method: clinical testing. Allele origin: germline. Affected: yes.
Comment: This variant is considered likely benign or benign based on one or more of the following criteria: it is a conservative change, it occurs at a poorly conserved position in the protein, it is predicted to be benign by multiple in silico algorithms, and/or has population frequency not consistent with disease.